The following is an entry in ClinVar:

NC_000007.14:g.(?_92489273)_(92491522_?)del

Genes: GATAD1 (GATA zinc finger domain containing 1; plus strand), PEX1 (peroxisomal biogenesis factor 1; minus strand). Cytogenetic location: 7q21.2.
Variant type: Deletion.
Identifiers: ClinVar variation 528228 (VCV000528228.3).

ClinVar aggregate classification (germline): Pathogenic. Review status: criteria provided, single submitter (1 of 4 stars). 2 submissions from 1 submitter: Pathogenic (2). Last evaluated 2018-01-03.

Conditions:
Zellweger spectrum disorders (ZS). Also called: Zellweger Spectrum Disorder; Zellweger Spectrum; Zellweger syndrome; Zellweger Spectrum Disorder (ZSD). Identifiers: Orphanet 912, MedGen C0043459, MONDO:0019609.
Peroxisome biogenesis disorder 1A (Zellweger) (PBD1A). Also called: Zellweger leukodystrophy; Peroxisome biogenesis disorder 1a. Identifiers: MedGen C4721541, MONDO:0008953, OMIM 214100.

Submissions (2):

Labcorp Genetics (formerly Invitae), Labcorp
Classification: Pathogenic for Zellweger spectrum disorders. Last evaluated: 2018-01-03. Review status: criteria provided, single submitter. Criteria: Invitae Variant Classification Sherloc (09022015). Collection method: clinical testing. Allele origin: germline.
Comment: This variant is an out-of-frame deletion of the genomic region encompassing exons 21-23 of the PEX1 gene. This is expected to create a premature translational stop signal and result in an absent or disrupted protein product. This variant has not been reported in the literature in individuals with PEX1-related disease. Loss-of-function variants in PEX1 are known to be pathogenic (PMID: 9398847, 16086329, 16141001, 21031596). For these reasons, this variant has been classified as Pathogenic.

Labcorp Genetics (formerly Invitae), Labcorp
Classification: Pathogenic for Zellweger spectrum disorders. Last evaluated: 2017-12-17. Review status: criteria provided, single submitter. Criteria: Invitae Variant Classification Sherloc (09022015). Collection method: clinical testing. Allele origin: germline.
Comment: the same text as in the submission from Labcorp Genetics (formerly Invitae), Labcorp above.

Literature cited by the submitters: PubMed 9398847; PubMed 16086329; PubMed 16141001; PubMed 21031596.